The following is an entry in ClinVar:

ClinVar aggregate classification (germline): Pathogenic (1 of 4 stars; one submission).

Submission:

GeneDx
Classification: Pathogenic. Last evaluated: 2018-12-07. Review status: criteria provided, single submitter. Criteria: GeneDx Variant Classification (06012015). Collection method: clinical testing. Allele origin: germline. Affected: yes.
Comment: The c.4196dupT variant in the ASXL1 gene has not been reported previously as a pathogenic variant nor as a benign variant, to our knowledge. The c.4196dupT variant causes a frameshift starting with codon Leucine 1399, changes this amino acid to a Phenylalanine residue, and creates a premature Stop codon at position 25 of the new reading frame, denoted p.Leu1399PhefsX25. This variant is predicted to cause loss of normal protein function through protein truncation. The c.4196dupT variant is not observed in large population cohorts (Lek et al., 2016). We interpret c.4196dupT as a pathogenic variant

NM_015338.6(ASXL1):c.4196dup (p.Leu1399fs)

Gene: ASXL1 (ASXL transcriptional regulator 1; plus strand). Cytogenetic location: 20q11.21.
Variant type: Duplication.
Coding change: c.4196dup on transcript NM_015338.6 (MANE Select); coding-DNA position 4196, one base duplicated (T; older notation c.4196dupT).
Protein change: p.Leu1399fs; shifts the reading frame from leucine 1399.
Molecular consequence: frameshift variant.
Genome position (GRCh38, 1-based): chr20:32,436,908, T duplicated; the last of 2 consecutive T bases (chr20:32,436,907-32,436,908); duplicating either gives the same sequence. VCF-style (leftmost placement, unchanged base first): chr20-32436906-C-CT. GRCh37 (hg19) VCF-style: chr20-31024709-C-CT.
Other names: c.4013dup, p.Leu1338fs (NM_001363734.1); short protein forms L1399fs, L1338fs.
Identifiers: ClinVar variation 817910 (VCV000817910.1), dbSNP rs1600594932, ClinGen allele CA915952955.